The following is an entry in ClinVar:

ClinVar aggregate classification (germline): Uncertain significance (1 of 4 stars; one submission).

gnomAD v4.1: 8 of 1,607,624 alleles (0.0005%); highest among the groups gnomAD compares: Admixed American, 0.005%; no homozygotes.

Submission:

Labcorp Genetics (formerly Invitae), Labcorp
Classification: Uncertain significance. Last evaluated: 2022-02-11. Review status: criteria provided, single submitter. Criteria: Invitae Variant Classification Sherloc (09022015). Collection method: clinical testing. Allele origin: germline.
Comment: This sequence change replaces aspartic acid, which is acidic and polar, with glutamic acid, which is acidic and polar, at codon 103 of the CACNA1I protein (p.Asp103Glu). This variant is present in population databases (rs771894093, gnomAD 0.006%). This variant has not been reported in the literature in individuals affected with CACNA1I-related conditions. Algorithms developed to predict the effect of missense changes on protein structure and function output the following: SIFT: "Tolerated"; PolyPhen-2: "Benign"; Align-GVGD: "Class C0". The glutamic acid amino acid residue is found in multiple mammalian species, which suggests that this missense change does not adversely affect protein function. In summary, the available evidence is currently insufficient to determine the role of this variant in disease. Therefore, it has been classified as a Variant of Uncertain Significance.

NM_021096.4(CACNA1I):c.309C>G (p.Asp103Glu)

Gene: CACNA1I (calcium voltage-gated channel subunit alpha1 I; plus strand). Cytogenetic location: 22q13.1.
Variant type: single nucleotide variant.
Coding change: c.309C>G on transcript NM_021096.4 (MANE Select); coding-DNA position 309, C replaced by G.
Protein change: p.Asp103Glu; replaces aspartic acid 103 with glutamic acid.
Molecular consequence: missense variant.
Genome position (GRCh38, 1-based): chr22:39,598,223, C>G. VCF-style: chr22-39598223-C-G. GRCh37 (hg19) VCF-style: chr22-39994228-C-G.
Other names: c.309C>G, p.Asp103Glu (NM_001003406.2); short protein forms D103E.
Identifiers: ClinVar variation 2082595 (VCV002082595.4), dbSNP rs771894093, ClinGen allele CA10243554.
Genomic context (GRCh38, chr22:39,598,223, plus strand): 5'-TGTCAGCATGCTGGTGATCCTGCTGAACTGCGTGACACTTGGCATGTACCAGCCGTGCGA[C>G]GACATGGACTGCCTGTCCGACCGCTGCAAGATCCTGCAGGTGAGCCGGCCGCCCCGCCCC-3'
Protein context (NP_066919.2, residues 93-113): CVTLGMYQPC[Asp103Glu]DMDCLSDRCK